The following is an entry in ClinVar:

NM_001371279.1(REEP1):c.106-170C>A

Gene: REEP1 (receptor accessory protein 1; minus strand). Cytogenetic location: 2p11.2.
Variant type: single nucleotide variant.
Coding change: c.106-170C>A on transcript NM_001371279.1 (MANE Select); 170 bases into the intron before coding-DNA position 106, C replaced by A.
Molecular consequence: intron variant.
Genome position (GRCh38, 1-based): chr2:86,264,211, G>T on the plus strand (C>A on the coding strand, the complement: REEP1 is on the minus strand). VCF-style: chr2-86264211-G-T. GRCh37 (hg19) VCF-style: chr2-86491334-G-T.
Other names: c.127-170C>A (NM_001164730.2); c.25-170C>A (NM_001164731.2); c.106-170C>A (NM_001164732.2, NM_001371280.1, NM_022912.3).
Identifiers: ClinVar variation 677279 (VCV000677279.2), dbSNP rs17027112, ClinGen allele CA51440002.

ClinVar aggregate classification (germline): Benign. Review status: criteria provided, multiple submitters, no conflicts (2 of 4 stars). 2 submissions from 2 submitters: Benign (2). Last evaluated 2018-06-16.

Allele frequency attached by ClinVar (database versions not stated): gnomAD 0.04133; 1000 Genomes Project 0.04273; TOPMed 0.04363; 1000 Genomes Project 30x 0.04606.
gnomAD v4.1: 5,815 of 152,256 alleles (3.8%); highest among the groups gnomAD compares: African/African-American, 13%; 388 homozygotes.

Submissions (2):

GeneDx
Classification: Benign. Last evaluated: 2018-06-16. Review status: criteria provided, single submitter. Criteria: GeneDx Variant Classification (06012015). Collection method: clinical testing. Allele origin: germline. Affected: yes.
Comment: This variant is considered likely benign or benign based on one or more of the following criteria: it is a conservative change, it occurs at a poorly conserved position in the protein, it is predicted to be benign by multiple in silico algorithms, and/or has population frequency not consistent with disease.

Breakthrough Genomics
Classification: Benign. Review status: criteria provided, single submitter. Criteria: ACMG Guidelines, 2015. Collection method: not provided. Allele origin: germline. Inheritance: Autosomal recessive inheritance. Affected: yes.